The following is an entry in ClinVar:

NM_001212.4(C1QBP):c.317C>G (p.Ser106Cys)

Gene: C1QBP (complement C1q binding protein; minus strand). Cytogenetic location: 17p13.2.
Variant type: single nucleotide variant.
Coding change: c.317C>G on transcript NM_001212.4 (MANE Select); coding-DNA position 317, C replaced by G.
Protein change: p.Ser106Cys; replaces serine 106 with cysteine.
Molecular consequence: missense variant.
Genome position (GRCh38, 1-based): chr17:5,438,189, G>C on the plus strand (C>G on the coding strand, the complement: C1QBP is on the minus strand). VCF-style: chr17-5438189-G-C. GRCh37 (hg19) VCF-style: chr17-5341509-G-C.
Other names: short protein forms S106C.
Identifiers: ClinVar variation 2000801 (VCV002000801.4), dbSNP rs2507769867, ClinGen allele CA397373221.

ClinVar aggregate classification (germline): Uncertain significance (1 of 4 stars; one submission).

Allele frequency attached by ClinVar (database versions not stated): gnomAD exomes below 0.00001.

Submission:

Labcorp Genetics (formerly Invitae), Labcorp
Classification: Uncertain significance. Last evaluated: 2023-11-27. Review status: criteria provided, single submitter. Criteria: Invitae Variant Classification Sherloc (09022015). Collection method: clinical testing. Allele origin: germline.
Comment: This sequence change replaces serine, which is neutral and polar, with cysteine, which is neutral and slightly polar, at codon 106 of the C1QBP protein (p.Ser106Cys). This variant is not present in population databases (gnomAD no frequency). This variant has not been reported in the literature in individuals affected with C1QBP-related conditions. ClinVar contains an entry for this variant (Variation ID: 2000801). Advanced modeling of protein sequence and biophysical properties (such as structural, functional, and spatial information, amino acid conservation, physicochemical variation, residue mobility, and thermodynamic stability) performed at Invitae indicates that this missense variant is expected to disrupt C1QBP protein function with a positive predictive value of 80%. In summary, the available evidence is currently insufficient to determine the role of this variant in disease. Therefore, it has been classified as a Variant of Uncertain Significance.